The following is an entry in ClinVar:

ClinVar aggregate classification (germline): Benign/Likely benign. Review status: criteria provided, multiple submitters, no conflicts (2 of 4 stars). 3 submissions from 3 submitters: Benign (1); Likely benign (1). 1 of the submissions does not count toward it. Last evaluated 2026-01-28.

Conditions:
Combined immunodeficiency with skin granulomas. Identifiers: Orphanet 157949, MedGen C2673536, MONDO:0009306, OMIM 233650.
Severe combined immunodeficiency, autosomal recessive, T cell-negative, B cell-negative, NK cell-positive. Also called: Severe combined immunodeficiency due to complete RAG1/2 deficiency; SCID, T CELL-NEGATIVE, B CELL-NEGATIVE, NK CELL-POSITIVE; SCID, AR, T-cell negative, B-cell negative, NK cell-positive. Identifiers: Orphanet 331206, MedGen C1832322, MONDO:0011086, OMIM 601457.
RAG1-related disorder. Also called: RAG1-related condition; RAG1-related disorders.

Allele frequency attached by ClinVar (database versions not stated): gnomAD exomes 0.00006 and 0.00019; ExAC 0.00027; gnomAD 0.00075 and 0.00081; 1000 Genomes Project 0.00080; ESP Exome Variant Server 0.00085; TOPMed 0.00086; 1000 Genomes Project 30x 0.00141.
gnomAD v4.1: 208 of 1,614,224 alleles (0.013%); highest among the groups gnomAD compares: African/African-American, 0.25%; no homozygotes.

Submissions (3):

Labcorp Genetics (formerly Invitae), Labcorp
Classification: Benign for Combined immunodeficiency with skin granulomas; Severe combined immunodeficiency, autosomal recessive, T cell-negative, B cell-negative, NK cell-positive. Last evaluated: 2026-01-28. Review status: criteria provided, single submitter. Criteria: Invitae Variant Classification Sherloc (09022015). Collection method: clinical testing. Allele origin: germline.

Women's Health and Genetics/Laboratory Corporation of America, LabCorp
Classification: Likely benign. Last evaluated: 2025-12-02. Review status: criteria provided, single submitter. Criteria: LabCorp Variant Classification Summary - May 2015. Collection method: clinical testing. Allele origin: germline.

PreventionGenetics, part of Exact Sciences
Classification: Likely benign for RAG1-related condition. Last evaluated: 2019-07-31. Review status: no assertion criteria provided. Collection method: clinical testing. Allele origin: germline. Not counted in ClinVar's aggregate classification.
Comment: This variant is classified as likely benign based on ACMG/AMP sequence variant interpretation guidelines (Richards et al. 2015 PMID: 25741868, with internal and published modifications).

NM_000448.3(RAG1):c.1578G>A (p.Leu526=)

Gene: RAG1 (recombination activating 1; plus strand). Cytogenetic location: 11p12.
Variant type: single nucleotide variant.
Coding change: c.1578G>A on transcript NM_000448.3 (MANE Select); coding-DNA position 1578, G replaced by A.
Protein change: p.Leu526=; no amino-acid change (leucine 526 retained).
Molecular consequence: synonymous variant.
Genome position (GRCh38, 1-based): chr11:36,574,882, G>A. VCF-style: chr11-36574882-G-A. GRCh37 (hg19) VCF-style: chr11-36596432-G-A.
Other names: c.1578G>A, p.Leu526= (NM_001377277.1, NM_001377278.1, NM_001377279.1 and 1 more transcripts).
Identifiers: ClinVar variation 697702 (VCV000697702.13), dbSNP rs143289774, ClinGen allele CA5950157.